The following is an entry in ClinVar:

ClinVar aggregate classification (germline): Likely pathogenic. Review status: reviewed by expert panel (3 of 4 stars). 6 submissions from 6 submitters: Likely pathogenic (1). 5 of the submissions do not count toward it. Last evaluated 2023-08-23.

Conditions:
TCF4-related disorder. Also called: TCF4-related condition.
Pitt-Hopkins syndrome (PTHS). Also called: ENCEPHALOPATHY, SEVERE EPILEPTIC, WITH AUTONOMIC DYSFUNCTION; MENTAL RETARDATION, SYNDROMAL, WITH INTERMITTENT HYPERVENTILATION. Identifiers: Orphanet 2896, MedGen C1970431, MONDO:0012589, OMIM 610954.

Submissions (6):

ClinGen Rett and Angelman-like Disorders Variant Curation Expert Panel
Classification: Likely pathogenic for Pitt-Hopkins syndrome. Last evaluated: 2023-08-23. Review status: reviewed by expert panel. Criteria: ClinGen RettAS ACMG Specifications TCF4 V3.0.0. Collection method: curation. Allele origin: germline. Inheritance: Autosomal dominant inheritance.
Comment: The p.Arg582Cys variant in TCF4 is absent from gnomAD (PM2_Supporting). Computational prediction analysis tools suggests a deleterious impact; however, this information does not predict clinical significance on its own (PP3). The p.Arg582Cys variant occurs in the well-characterized basic Helix-Loop-Helix domain (bHLH) functional domain of the TCF4 (PM1). A pathogenic missense variant (p.R582P) has been previously identified within this codon which indicates that this residue is critical to the function of the protein (PMID 22460224, PMID 26621827, PMID 20184619, internal database) (PM5). The p.Arg582Cys variant in TCF4 has been reported as a de novo occurrence (biological parentage unconfirmed) in an individual with an unspecified neurodevelopmental disorder (PMID 33994118). The p.Arg582Cys variant has been observed in at least 2 individuals with clinical features of Pitt-Hopkins syndrome (PMID 33994118, internal database) (PS4_Supporting). In summary, the p.Arg582Cys variant in TCF4 is classified as likely pathogenic for Pitt-Hopkins syndrome based on the ACMG/AMP criteria (PM2_Supporting, PP3, PM1, PM5, PS4_Supporting).

GeneDx
Classification: Likely pathogenic. Last evaluated: 2026-07-24. Review status: criteria provided, single submitter. Criteria: GeneDx Variant Classification Process June 2021. Collection method: clinical testing. Allele origin: germline. Not counted in ClinVar's aggregate classification.
Comment: Not observed at significant frequency in large population cohorts (gnomAD); In silico analysis supports that this missense variant has a deleterious effect on protein structure/function; This variant is associated with the following publications: (PMID: 37212002, 33994118)

PreventionGenetics, part of Exact Sciences
Classification: Likely pathogenic for TCF4-related condition. Last evaluated: 2025-04-28. Review status: criteria provided, single submitter. Criteria: ACMG Guidelines, 2015. Collection method: clinical testing. Allele origin: germline. Not counted in ClinVar's aggregate classification.
Comment: The TCF4 c.1744C>T variant is predicted to result in the amino acid substitution p.Arg582Cys. This variant was reported as de novo in an individual with a neurodevelopmental disorder (Table S4 and S16, Wang et al. 2021. PubMed ID: 33994118). This variant is located in the beginning of helix 1 of the TCF4 HLH domain and functional studies indicate that the Arg582 residue is essential for DNA binding (Sepp et al. 2012. PubMed ID: 22460224). Additionally, a different variant at the same amino acid residue (p.Arg582Pro) was found to be pathogenic in individuals with Pitt-Hopkins syndrome (Sepp et al. 2012. PubMed ID: 22460224, Tamberg et al. 2015. PubMed ID: 26621827). This variant has not been reported in a large population database (gnomAD), indicating this variant is rare. Taken together, this variant is interpreted as likely pathogenic.

Institute of Human Genetics, University of Leipzig Medical Center
Classification: Likely pathogenic for Pitt-Hopkins syndrome. Last evaluated: 2023-01-31. Review status: criteria provided, single submitter. Criteria: ACMG Guidelines, 2015. Collection method: clinical testing. Allele origin: de novo. Affected: yes. Not counted in ClinVar's aggregate classification.
Comment: This variant was identified as de novo (maternity and paternity confirmed) in an indiviudal with moderate ID but no other features of PTHS Criteria applied: PS2_MOD, PM1, PM5, PS4_SUP, PM2_SUP, PP3 At the affected amino acid position, another amino acid substitution is already described as pathogenic in the databases for disease-causing variants and in the literature (PM5, c.1745G>C; p.R582P, HGMD-ID: CM105053, Takano et al., 2010, PubMed: 20184619)

Labcorp Genetics (formerly Invitae), Labcorp
Classification: Uncertain significance for Pitt-Hopkins syndrome. Last evaluated: 2020-02-21. Review status: criteria provided, single submitter. Criteria: Invitae Variant Classification Sherloc (09022015). Collection method: clinical testing. Allele origin: germline. Not counted in ClinVar's aggregate classification.
Comment: This variant is not present in population databases (ExAC no frequency). This sequence change replaces arginine with cysteine at codon 582 of the TCF4 protein (p.Arg582Cys). The arginine residue is highly conserved and there is a large physicochemical difference between arginine and cysteine. This variant has not been reported in the literature in individuals with TCF4-related conditions. Algorithms developed to predict the effect of missense changes on protein structure and function (SIFT, PolyPhen-2, Align-GVGD) all suggest that this variant is likely to be disruptive, but these predictions have not been confirmed by published functional studies and their clinical significance is uncertain. In summary, the available evidence is currently insufficient to determine the role of this variant in disease. Therefore, it has been classified as a Variant of Uncertain Significance.

Institute for Medical Genetics and Human Genetics, Charité - Universitätsmedizin Berlin
Classification: Likely pathogenic. Review status: criteria provided, single submitter. Criteria: ACMG Guidelines, 2015. Collection method: not provided. Allele origin: germline. Inheritance: Autosomal dominant inheritance. Affected: yes. Not counted in ClinVar's aggregate classification.

NM_001083962.2(TCF4):c.1744C>T (p.Arg582Cys)

Gene: TCF4 (transcription factor 4; minus strand). Cytogenetic location: 18q21.2.
Variant type: single nucleotide variant.
Coding change: c.1744C>T on transcript NM_001083962.2 (MANE Select); coding-DNA position 1744, C replaced by T.
Protein change: p.Arg582Cys; replaces arginine 582 with cysteine.
Molecular consequence: missense variant.
Genome position (GRCh38, 1-based): chr18:55,228,982, G>A on the plus strand (C>T on the coding strand, the complement: TCF4 is on the minus strand). VCF-style: chr18-55228982-G-A. GRCh37 (hg19) VCF-style: chr18-52896213-G-A.
Other names: NM_001083962.2(TCF4):c.1744C>T; p.Arg582Cys; c.1741C>T, p.Arg581Cys (NM_001330604.3, NM_001369569.1, NM_001369570.1); c.1354C>T, p.Arg452Cys (NM_001330605.3, NM_001348213.2); c.1618C>T, p.Arg540Cys (NM_001348211.2); c.1342C>T, p.Arg448Cys (NM_001348212.2, NM_001243233.2); c.1249C>T, p.Arg417Cys (NM_001348214.2); c.1096C>T, p.Arg366Cys (NM_001348215.2); and 16 more; short protein forms R366C, R417C, R418C, R422C, R448C, R452C, R507C, R511C.
Identifiers: ClinVar variation 1003911 (VCV001003911.16), dbSNP rs2047109965, ClinGen allele CA402528894.